The following is an entry in ClinVar:

NM_004434.3(EML1):c.220G>T (p.Ala74Ser)

Gene: EML1 (EMAP like 1; plus strand). Cytogenetic location: 14q32.2.
Variant type: single nucleotide variant.
Coding change: c.220G>T on transcript NM_004434.3 (MANE Select); coding-DNA position 220, G replaced by T.
Protein change: p.Ala74Ser; replaces alanine 74 with serine.
Molecular consequence: missense variant.
Genome position (GRCh38, 1-based): chr14:99,851,005, G>T. VCF-style: chr14-99851005-G-T. GRCh37 (hg19) VCF-style: chr14-100317342-G-T.
Other names: c.220G>T, p.Ala74Ser (NM_001008707.2, NM_001375412.1); c.181G>T, p.Ala61Ser (NM_001375411.1, NM_001440377.1); c.238G>T, p.Ala80Ser (NM_001440375.1, NM_001440376.1); short protein forms A61S, A74S, A80S.
Identifiers: ClinVar variation 4530917 (VCV004530917.1).

ClinVar aggregate classification (germline): Uncertain significance (1 of 4 stars; one submission).

gnomAD v4.1: 5 of 1,614,062 alleles (0.00031%); highest among the groups gnomAD compares: Admixed American, 0.0083%; no homozygotes.

Submission:

GeneDx
Classification: Uncertain significance. Last evaluated: 2025-05-17. Review status: criteria provided, single submitter. Criteria: GeneDx Variant Classification Process June 2021. Collection method: clinical testing. Allele origin: germline. Affected: yes.
Comment: In silico analysis supports that this missense variant has a deleterious effect on protein structure/function; Has not been previously published as pathogenic or benign to our knowledge